The following is an entry in ClinVar:

NM_016169.4(SUFU):c.712A>G (p.Met238Val)

Gene: SUFU (SUFU negative regulator of hedgehog signaling; plus strand). Cytogenetic location: 10q24.32.
Variant type: single nucleotide variant.
Coding change: c.712A>G on transcript NM_016169.4 (MANE Select); coding-DNA position 712, A replaced by G.
Protein change: p.Met238Val; replaces methionine 238 with valine.
Molecular consequence: missense variant.
Genome position (GRCh38, 1-based): chr10:102,594,021, A>G. VCF-style: chr10-102594021-A-G. GRCh37 (hg19) VCF-style: chr10-104353778-A-G.
Other names: c.712A>G, p.Met238Val (NM_001178133.2); short protein forms M238V.
Identifiers: ClinVar variation 1001342 (VCV001001342.11), dbSNP rs2063434374, ClinGen allele CA377909791.

ClinVar aggregate classification (germline): Uncertain significance. Review status: criteria provided, multiple submitters, no conflicts (2 of 4 stars). 2 submissions from 2 submitters: Uncertain significance (2). Last evaluated 2025-04-22.

Conditions:
Hereditary cancer-predisposing syndrome. Also called: Hereditary neoplastic syndrome; Neoplastic Syndromes, Hereditary; Tumor predisposition; Hereditary Cancer Syndrome. Identifiers: Orphanet 140162, MedGen C0027672, MeSH D009386, MONDO:0015356.
Gorlin syndrome. Also called: Nevoid Basal Cell Carcinoma Syndrome; Basal cell nevus syndrome. Identifiers: Orphanet 377, MedGen C0004779, MONDO:0007187.
Medulloblastoma (MDB). Also called: MEDULLOBLASTOMA PREDISPOSITION SYNDROME; Medulloblastoma, somatic. Identifiers: Orphanet 616, MedGen C0025149, MeSH D008527, MONDO:0007959, OMIM 155255, HP:0002885.

Submissions (2):

Labcorp Genetics (formerly Invitae), Labcorp
Classification: Uncertain significance for Gorlin syndrome; Medulloblastoma. Last evaluated: 2025-04-22. Review status: criteria provided, single submitter. Criteria: Invitae Variant Classification Sherloc (09022015). Collection method: clinical testing. Allele origin: germline.
Comment: This sequence change replaces methionine, which is neutral and non-polar, with valine, which is neutral and non-polar, at codon 238 of the SUFU protein (p.Met238Val). This variant is not present in population databases (gnomAD no frequency). This variant has not been reported in the literature in individuals affected with SUFU-related conditions. ClinVar contains an entry for this variant (Variation ID: 1001342). Invitae Evidence Modeling of protein sequence and biophysical properties (such as structural, functional, and spatial information, amino acid conservation, physicochemical variation, residue mobility, and thermodynamic stability) indicates that this missense variant is not expected to disrupt SUFU protein function with a negative predictive value of 80%. In summary, the available evidence is currently insufficient to determine the role of this variant in disease. Therefore, it has been classified as a Variant of Uncertain Significance.

Ambry Genetics
Classification: Uncertain significance for Hereditary cancer-predisposing syndrome. Last evaluated: 2022-03-14. Review status: criteria provided, single submitter. Criteria: Ambry Variant Classification Scheme 2023. Collection method: clinical testing. Allele origin: germline.
Comment: The p.M238V variant (also known as c.712A>G), located in coding exon 6 of the SUFU gene, results from an A to G substitution at nucleotide position 712. The methionine at codon 238 is replaced by valine, an amino acid with highly similar properties. This amino acid position is conserved. In addition, this alteration is predicted to be deleterious by in silico analysis. Since supporting evidence is limited at this time, the clinical significance of this alteration remains unclear.